The following is an entry in ClinVar:

NM_000096.4(CP):c.322C>T (p.His108Tyr)

Gene: CP (ceruloplasmin; minus strand). Cytogenetic location: 3q25.1.
Variant type: single nucleotide variant.
Coding change: c.322C>T on transcript NM_000096.4 (MANE Select); coding-DNA position 322, C replaced by T.
Protein change: p.His108Tyr; replaces histidine 108 with tyrosine.
Molecular consequence: missense variant. On other transcripts: non-coding transcript variant (1).
Genome position (GRCh38, 1-based): chr3:149,212,523, G>A on the plus strand (C>T on the coding strand, the complement: CP is on the minus strand). VCF-style: chr3-149212523-G-A. GRCh37 (hg19) VCF-style: chr3-148930310-G-A.
Other names: short protein forms H108Y.
Identifiers: ClinVar variation 128843 (VCV000128843.22), dbSNP rs34386552, ClinGen allele CA231058.
Genomic context (GRCh38, chr3:149,212,523, plus strand): 5'-TATAGTAAGTTATTCCATGTGAATGAAAGGTGTAGGGCCTAGAGGCAAGGTTTTTTAAGT[G>A]TACATAAACTTTATCTCCAGTTTCAGCTTTGATAATAGGGCCTAAAAACCCAAGCCAGAC-3'
Protein context (NP_000087.2, residues 98-118): KAETGDKVYV[His108Tyr]LKNLASRPYT

ClinVar aggregate classification (germline): Conflicting classifications of pathogenicity. Review status: criteria provided, conflicting classifications (1 of 4 stars). 5 submissions from 5 submitters: Uncertain significance (2); Likely benign (2). 1 of the submissions does not count toward it. Last evaluated 2026-01-27.

Conditions:
CP-related disorder. Also called: CP-related condition.
Inborn genetic diseases. Identifiers: MedGen C0950123, MeSH D030342.
Deficiency of ferroxidase (ACEP). Also called: Aceruloplasminemia; Ceruloplasmin deficiency; Familial apoceruloplasmin deficiency; Hereditary ceruloplasmin deficiency; Deficiency of ceruloplasmin; NEURODEGENERATION WITH BRAIN IRON ACCUMULATION 10. Identifiers: Orphanet 48818, MedGen C0878682, MONDO:0011426, OMIM 604290, HP:0025498.

Allele frequency attached by ClinVar (database versions not stated): gnomAD 0.00221 and 0.00235; ExAC 0.00068; ESP Exome Variant Server 0.00254; 1000 Genomes Project 30x 0.00312; TOPMed 0.00266; gnomAD exomes 0.00066; 1000 Genomes Project 0.00280.
gnomAD v4.1: 686 of 1,613,870 alleles (0.043%); highest among the groups gnomAD compares: African/African-American, 0.81%; 3 homozygotes.

Submissions (5):

Labcorp Genetics (formerly Invitae), Labcorp
Classification: Likely benign for Deficiency of ferroxidase. Last evaluated: 2026-01-27. Review status: criteria provided, single submitter. Criteria: Invitae Variant Classification Sherloc (09022015). Collection method: clinical testing. Allele origin: germline.

Ambry Genetics
Classification: Uncertain significance for Inborn genetic diseases. Last evaluated: 2024-09-03. Review status: criteria provided, single submitter. Criteria: Ambry Variant Classification Scheme 2023. Collection method: clinical testing. Allele origin: germline.

Illumina Laboratory Services, Illumina
Classification: Likely benign for Deficiency of ferroxidase. Last evaluated: 2018-01-12. Review status: criteria provided, single submitter. Criteria: ICSL Variant Classification Criteria 13 December 2019. Collection method: clinical testing. Allele origin: germline.
Comment: This variant was observed in the ICSL laboratory as part of a predisposition screen in an ostensibly healthy population. It had not been previously curated by ICSL or reported in the Human Gene Mutation Database (HGMD: prior to June 1st, 2018), and was therefore a candidate for classification through an automated scoring system. Utilizing variant allele frequency, disease prevalence and penetrance estimates, and inheritance mode, an automated score was calculated to assess if this variant is too frequent to cause the disease. Based on the score and internal cut-off values, a variant classified as likely benign is not then subjected to further curation. The score for this variant resulted in a classification of likely benign for this disease.

Genetic Services Laboratory, University of Chicago
Classification: Uncertain significance. Last evaluated: 2013-12-02. Review status: criteria provided, single submitter. Criteria: ACMG Guidelines, 2007. Collection method: clinical testing. Allele origin: germline. Inheritance: Autosomal recessive inheritance.

PreventionGenetics, part of Exact Sciences
Classification: Benign for CP-related condition. Last evaluated: 2019-12-24. Review status: no assertion criteria provided. Collection method: clinical testing. Allele origin: germline. Not counted in ClinVar's aggregate classification.
Comment: This variant is classified as benign based on ACMG/AMP sequence variant interpretation guidelines (Richards et al. 2015 PMID: 25741868, with internal and published modifications).